The following is an entry in ClinVar:

NM_032119.4(ADGRV1):c.2285G>A (p.Arg762His)

Gene: ADGRV1 (adhesion G protein-coupled receptor V1; plus strand). Cytogenetic location: 5q14.3.
Variant type: single nucleotide variant.
Coding change: c.2285G>A on transcript NM_032119.4 (MANE Select); coding-DNA position 2285, G replaced by A.
Protein change: p.Arg762His; replaces arginine 762 with histidine.
Molecular consequence: missense variant. On other transcripts: non-coding transcript variant (1).
Genome position (GRCh38, 1-based): chr5:90,642,680, G>A. VCF-style: chr5-90642680-G-A. GRCh37 (hg19) VCF-style: chr5-89938497-G-A.
Other names: short protein forms R762H.
Identifiers: ClinVar variation 1120124 (VCV001120124.15), dbSNP rs757860505, ClinGen allele CA3338881.
Genomic context (GRCh38, chr5:90,642,680, plus strand): 5'-TCTCTGACTTCTCTAGGGTTAACGTGGAAAACCAAGTGCTGAAATCTGGATATACTAGCC[G>A]TGACCTAATTATTTTGGAAAATGATGACCCTGGGGGAGTTTTTGAATTTTCTCCTGCTTC-3'
Protein context (NP_115495.3, residues 752-772): NQVLKSGYTS[Arg762His]DLIILENDDP

ClinVar aggregate classification (germline): Conflicting classifications of pathogenicity. Review status: criteria provided, conflicting classifications (1 of 4 stars). 5 submissions from 5 submitters: Uncertain significance (4); Likely benign (1). Last evaluated 2026-01-20.

Conditions:
Usher syndrome type 2C. Also called: USHER SYNDROME, TYPE IIC; Usher syndrome, type 2B. Identifiers: Orphanet 231178, Orphanet 886, MedGen C2931213, MONDO:0011558, OMIM 605472.
Febrile seizures, familial, 4 (FEB4). Also called: CONVULSIONS, FAMILIAL FEBRILE, 4. Identifiers: MedGen C1858493, MONDO:0011443, OMIM 604352.

Allele frequency attached by ClinVar (database versions not stated): ExAC 0.00001; gnomAD 0.00001; gnomAD exomes 0.00001; TOPMed 0.00001.
gnomAD v4.1: 17 of 1,613,396 alleles (0.0011%); highest among the groups gnomAD compares: South Asian, 0.0044%; no homozygotes.

Submissions (5):

Labcorp Genetics (formerly Invitae), Labcorp
Classification: Likely benign. Last evaluated: 2026-01-20. Review status: criteria provided, single submitter. Criteria: Invitae Variant Classification Sherloc (09022015). Collection method: clinical testing. Allele origin: germline.

Women's Health and Genetics/Laboratory Corporation of America, LabCorp
Classification: Uncertain significance. Last evaluated: 2024-10-23. Review status: criteria provided, single submitter. Criteria: LabCorp Variant Classification Summary - May 2015. Collection method: clinical testing. Allele origin: germline.
Comment: Variant summary: ADGRV1 c.2285G>A (p.Arg762His) results in a non-conservative amino acid change in the encoded protein sequence. Four of five in-silico tools predict a damaging effect of the variant on protein function. The variant allele was found at a frequency of 1.2e-05 in 248998 control chromosomes. The available data on variant occurrences in the general population are insufficient to allow any conclusion about variant significance. c.2285G>A has been reported in the literature in an individual affected with Retinitis Pigmentosa (Ge_2015). This report does not provide unequivocal conclusions about association of the variant with Usher Syndrome. To our knowledge, no experimental evidence demonstrating an impact on protein function has been reported. The following publication has been ascertained in the context of this evaluation (PMID: 26667666). ClinVar contains an entry for this variant (Variation ID: 1120124). Based on the evidence outlined above, the variant was classified as uncertain significance.

Fulgent Genetics
Classification: Uncertain significance for Febrile seizures, familial, 4; Usher syndrome type 2C. Last evaluated: 2021-07-20. Review status: criteria provided, single submitter. Criteria: ACMG Guidelines, 2015. Collection method: clinical testing. Allele origin: unknown.

Blueprint Genetics
Classification: Uncertain significance. Last evaluated: 2020-11-02. Review status: criteria provided, single submitter. Criteria: ACMG Guidelines, 2015. Collection method: clinical testing. Allele origin: germline.

Laboratory for Molecular Medicine, Mass General Brigham Personalized Medicine
Classification: Uncertain significance. Last evaluated: 2020-06-04. Review status: criteria provided, single submitter. Criteria: LMM Criteria. Collection method: clinical testing. Allele origin: germline. Observed: 2 variant alleles.
Comment: The p.Arg762His variant in ADGRV1 has not been previously reported in individuals with hearing loss or Usher syndrome but has been identified in 0.001% (4/280388) of the total chromosomes by gnomAD. Computational prediction tools and conservation analyses do not provide strong support for or against an impact to the protein. In summary, the clinical significance of this variant is uncertain. ACMG/AMP Criteria applied: PM2.

Literature cited by the submitters: PubMed 26667666 (cited by Women's Health and Genetics/Laboratory Corporation of America, LabCorp).